The following is an entry in ClinVar:

NM_001376.5(DYNC1H1):c.8177+12C>G

Gene: DYNC1H1 (dynein cytoplasmic 1 heavy chain 1; plus strand). Cytogenetic location: 14q32.31.
Variant type: single nucleotide variant.
Coding change: c.8177+12C>G on transcript NM_001376.5 (MANE Select); 12 bases into the intron after coding-DNA position 8177, C replaced by G.
Molecular consequence: intron variant.
Genome position (GRCh38, 1-based): chr14:102,017,516, C>G. VCF-style: chr14-102017516-C-G. GRCh37 (hg19) VCF-style: chr14-102483853-C-G.
Identifiers: ClinVar variation 389117 (VCV000389117.8), dbSNP rs367551573, ClinGen allele CA7352944.

ClinVar aggregate classification (germline): Likely benign. Review status: criteria provided, multiple submitters, no conflicts (2 of 4 stars). 2 submissions from 2 submitters: Likely benign (2). Last evaluated 2024-07-22.

Conditions:
Charcot-Marie-Tooth disease axonal type 2O. Also called: Charcot-Marie-Tooth disease, axonal, type 20; CHARCOT-MARIE-TOOTH NEUROPATHY, AXONAL, TYPE 2O; CHARCOT-MARIE-TOOTH DISEASE, AXONAL, AUTOSOMAL DOMINANT, TYPE 2O; Charcot-Marie-Tooth Neuropathy Type 2O. Identifiers: Orphanet 284232, MedGen C3280220, MONDO:0013644, OMIM 614228.

Allele frequency attached by ClinVar (database versions not stated): TOPMed 0.00004; gnomAD 0.00006.
gnomAD v4.1: 8 of 1,613,268 alleles (0.0005%); highest among the groups gnomAD compares: African/African-American, 0.011%; no homozygotes.

Submissions (2):

Labcorp Genetics (formerly Invitae), Labcorp
Classification: Likely benign for Charcot-Marie-Tooth disease axonal type 2O. Last evaluated: 2024-07-22. Review status: criteria provided, single submitter. Criteria: Invitae Variant Classification Sherloc (09022015). Collection method: clinical testing. Allele origin: germline.

GeneDx
Classification: Likely benign. Last evaluated: 2016-09-23. Review status: criteria provided, single submitter. Criteria: GeneDx Variant Classification (06012015). Collection method: clinical testing. Allele origin: germline. Affected: yes.
Comment: This variant is considered likely benign or benign based on one or more of the following criteria: it is a conservative change, it occurs at a poorly conserved position in the protein, it is predicted to be benign by multiple in silico algorithms, and/or has population frequency not consistent with disease.